The following is an entry in ClinVar:

NM_014141.6(CNTNAP2):c.939+14C>T

Gene: CNTNAP2 (contactin associated protein 2; plus strand). Cytogenetic location: 7q35.
Variant type: single nucleotide variant.
Coding change: c.939+14C>T on transcript NM_014141.6 (MANE Select); 14 bases into the intron after coding-DNA position 939, C replaced by T.
Molecular consequence: intron variant.
Genome position (GRCh38, 1-based): chr7:147,121,177, C>T. VCF-style: chr7-147121177-C-T. GRCh37 (hg19) VCF-style: chr7-146818269-C-T.
Identifiers: ClinVar variation 377704 (VCV000377704.13), dbSNP rs370916766, ClinGen allele CA4545922.

ClinVar aggregate classification (germline): Conflicting classifications of pathogenicity. Review status: criteria provided, conflicting classifications (1 of 4 stars). 4 submissions from 4 submitters: Uncertain significance (1); Likely benign (3). Last evaluated 2025-12-23.

Conditions:
Cortical dysplasia-focal epilepsy syndrome (PTHSL1). Also called: Pitt-Hopkins-like syndrome 1. Identifiers: Orphanet 163681, Orphanet 221150, MedGen C2750246, MONDO:0012400, OMIM 610042.

Allele frequency attached by ClinVar (database versions not stated): gnomAD exomes 0.00005 and 0.00008; ExAC 0.00009; gnomAD 0.00013; 1000 Genomes Project 30x 0.00016; TOPMed 0.00017; 1000 Genomes Project 0.00020; ESP Exome Variant Server 0.00023.
gnomAD v4.1: 88 of 1,612,770 alleles (0.0055%); highest among the groups gnomAD compares: African/African-American, 0.041%; no homozygotes.

Submissions (4):

Labcorp Genetics (formerly Invitae), Labcorp
Classification: Likely benign for Cortical dysplasia-focal epilepsy syndrome. Last evaluated: 2025-12-23. Review status: criteria provided, single submitter. Criteria: Invitae Variant Classification Sherloc (09022015). Collection method: clinical testing. Allele origin: germline.

Blueprint Genetics
Classification: Likely benign. Last evaluated: 2022-10-24. Review status: criteria provided, single submitter. Criteria: ACMG Guidelines, 2015. Collection method: clinical testing. Allele origin: germline.

Illumina Laboratory Services, Illumina
Classification: Uncertain significance for Cortical dysplasia-focal epilepsy syndrome. Last evaluated: 2018-01-12. Review status: criteria provided, single submitter. Criteria: ICSL Variant Classification Criteria 13 December 2019. Collection method: clinical testing. Allele origin: germline.

GeneDx
Classification: Likely benign. Last evaluated: 2017-04-05. Review status: criteria provided, single submitter. Criteria: GeneDx Variant Classification (06012015). Collection method: clinical testing. Allele origin: germline. Affected: yes.
Comment: This variant is considered likely benign or benign based on one or more of the following criteria: it is a conservative change, it occurs at a poorly conserved position in the protein, it is predicted to be benign by multiple in silico algorithms, and/or has population frequency not consistent with disease.